The following is an entry in ClinVar:

NM_000939.4(POMC):c.280AGCAGCGGC[4] (p.94SSG[4])

Gene: POMC (proopiomelanocortin; minus strand). Cytogenetic location: 2p23.3.
Variant type: Microsatellite.
Coding change: c.280AGCAGCGGC[4] on transcript NM_000939.4 (MANE Select); four copies in a row of the 9-base unit AGCAGCGGC starting at c.280; the reference has two copies in a row; two copies, 18 bases duplicated; also written c.280_297dup.
Protein change: p.94SSG[4].
Molecular consequence: inframe insertion.
Genome position (GRCh38, 1-based): chr2:25,161,588-25,161,605, GCCGCTGCTGCCGCTGCT duplicated on the plus strand (AGCAGCGGCAGCAGCGGC on the coding strand, the reverse complement: POMC is on the minus strand); duplicating any 18 consecutive bases within chr2:25,161,588-25,161,607 gives the same sequence; the position shown is the placement nearest the transcript's 3' end. VCF-style (leftmost placement, unchanged base first): chr2-25161587-C-CGCCGCTGCTGCCGCTGCT. GRCh37 (hg19) VCF-style: chr2-25384456-C-CGCCGCTGCTGCCGCTGCT.
Other names: c.280_297dup (NM_000939.4, NM_001035256.3); c.280AGCAGCGGC[4], p.94SSG[4] (NM_001035256.3, NM_001319204.2, NM_001319205.2).
Identifiers: ClinVar variation 594219 (VCV000594219.12), dbSNP rs10654394, ClinGen allele CA1555326.

ClinVar aggregate classification (germline): Uncertain significance. Review status: criteria provided, multiple submitters, no conflicts (2 of 4 stars). 6 submissions from 6 submitters: Uncertain significance (6). Last evaluated 2024-11-21.

Conditions:
Obesity due to pro-opiomelanocortin deficiency. Also called: Obesity, adrenal insufficiency, and red hair due to POMC deficiency; OBESITY, EARLY-ONSET, WITH ADRENAL INSUFFICIENCY AND RED HAIR; PROOPIOMELANOCORTIN DEFICIENCY. Identifiers: Orphanet 71526, MedGen C1857854, MONDO:0012335, OMIM 609734.
Inherited obesity. Also called: Monogenic Obesity. Identifiers: Orphanet 77828, MedGen C4054476, MONDO:0019182, OMIM 601665.

Submissions (6):

Blueprint Genetics
Classification: Uncertain significance. Last evaluated: 2024-11-21. Review status: criteria provided, single submitter. Criteria: ACMG Guidelines, 2015. Collection method: clinical testing. Allele origin: germline.

Baylor Genetics
Classification: Uncertain significance for Inherited obesity. Last evaluated: 2024-03-25. Review status: criteria provided, single submitter. Criteria: ACMG Guidelines, 2015. Collection method: clinical testing. Allele origin: unknown.

Labcorp Genetics (formerly Invitae), Labcorp
Classification: Uncertain significance. Last evaluated: 2022-10-17. Review status: criteria provided, single submitter. Criteria: Invitae Variant Classification Sherloc (09022015). Collection method: clinical testing. Allele origin: germline.
Comment: This variant, c.280_297dup, results in the insertion of 6 amino acid(s) of the POMC protein (p.Ser94_Gly99dup), but otherwise preserves the integrity of the reading frame. This variant is present in population databases (rs10654394, gnomAD 0.1%), including at least one homozygous and/or hemizygous individual. This variant has been observed in individual(s) with extreme obesity but a second variant was not observed (PMID: 9768693). This variant is also known as the 18bp insertion between codon 73 and 74. Experimental studies and prediction algorithms are not available or were not evaluated, and the functional significance of this variant is currently unknown. In summary, the available evidence is currently insufficient to determine the role of this variant in disease. Therefore, it has been classified as a Variant of Uncertain Significance.

New York Genome Center
Classification: Uncertain significance for Inherited obesity; Obesity due to pro-opiomelanocortin deficiency. Last evaluated: 2022-02-18. Review status: criteria provided, single submitter. Criteria: NYGC Assertion Criteria 2020. Collection method: clinical testing. Allele origin: germline. Observed: 1 heterozygote.

Eurofins Ntd Llc (ga)
Classification: Uncertain significance. Last evaluated: 2017-10-04. Review status: criteria provided, single submitter. Criteria: EGL Classification Definitions 2015. Collection method: clinical testing. Allele origin: germline. Observed: 1 variant allele, 1 heterozygote.

Breakthrough Genomics
Classification: Uncertain significance. Review status: criteria provided, single submitter. Criteria: ACMG Guidelines, 2015. Collection method: not provided. Allele origin: germline. Inheritance: Autosomal recessive inheritance. Affected: yes.

Literature cited by the submitters: PubMed 9768693 (cited by Labcorp Genetics (formerly Invitae), Labcorp).